The following is an entry in ClinVar:

ClinVar aggregate classification (germline): Uncertain significance. Review status: criteria provided, multiple submitters, no conflicts (2 of 4 stars). 2 submissions from 2 submitters: Uncertain significance (2). Last evaluated 2017-04-06.

Conditions:
Dilated cardiomyopathy 1DD (CMD1DD). Identifiers: Orphanet 154, MedGen C2750995, MONDO:0013168, OMIM 613172.

Allele frequency attached by ClinVar (database versions not stated): TOPMed 0.00001.

Submissions (2):

Stanford Center for Inherited Cardiovascular Disease, Stanford University
Classification: Uncertain significance. Last evaluated: 2017-04-06. Review status: criteria provided, single submitter. Criteria: ACMG Guidelines, 2015. Collection method: provider interpretation. Allele origin: germline.

Labcorp Genetics (formerly Invitae), Labcorp
Classification: Uncertain significance for Dilated cardiomyopathy 1DD. Last evaluated: 2016-12-25. Review status: criteria provided, single submitter. Criteria: Invitae Variant Classification Sherloc (09022015). Collection method: clinical testing. Allele origin: germline.
Comment: This sequence change replaces cysteine with tyrosine at codon 417 of the RBM20 protein (p.Cys417Tyr). The cysteine residue is weakly conserved and there is a large physicochemical difference between cysteine and tyrosine. This variant is not present in population databases (ExAC no frequency) and has not been reported in the literature in individuals with a RBM20-related disease. Algorithms developed to predict the effect of missense changes on protein structure and function do not agree on the potential impact of this missense change (SIFT: "Not Scored"; PolyPhen-2: "Possibly Damaging"; Align-GVGD: "Class C0"). In summary, this variant is a novel missense change with uncertain impact on protein function. It has been classified as a Variant of Uncertain Significance.

NM_001134363.3(RBM20):c.1250G>A (p.Cys417Tyr)

Gene: RBM20 (RNA binding motif protein 20; plus strand). Cytogenetic location: 10q25.2.
Variant type: single nucleotide variant.
Coding change: c.1250G>A on transcript NM_001134363.3 (MANE Select); coding-DNA position 1250, G replaced by A.
Protein change: p.Cys417Tyr; replaces cysteine 417 with tyrosine.
Molecular consequence: missense variant.
Genome position (GRCh38, 1-based): chr10:110,781,859, G>A. VCF-style: chr10-110781859-G-A. GRCh37 (hg19) VCF-style: chr10-112541617-G-A.
Other names: short protein forms C417Y.
Identifiers: ClinVar variation 411652 (VCV000411652.11), dbSNP rs1060503412, ClinGen allele CA16613002.